The following is an entry in ClinVar:

ClinVar aggregate classification (germline): Benign (0 of 4 stars; one submission).

Conditions:
SYNM-related disorder. Also called: SYNM-related condition.

Allele frequency attached by ClinVar (database versions not stated): ExAC 0.00008; gnomAD 0.00012; 1000 Genomes Project 0.00040; 1000 Genomes Project 30x 0.00078.
gnomAD v4.1: 143 of 1,541,824 alleles (0.0093%); highest among the groups gnomAD compares: East Asian, 0.23%; 1 homozygote.

Submission:

PreventionGenetics, part of Exact Sciences
Classification: Benign for SYNM-related condition. Last evaluated: 2021-06-03. Review status: no assertion criteria provided. Collection method: clinical testing. Allele origin: germline.
Comment: This variant is classified as benign based on ACMG/AMP sequence variant interpretation guidelines (Richards et al. 2015 PMID: 25741868, with internal and published modifications).

NM_145728.3(SYNM):c.576C>T (p.Ala192=)

Genes: SYNM (synemin; plus strand), SYNM-AS1 (SYNM antisense RNA 1; minus strand). Cytogenetic location: 15q26.3.
Variant type: single nucleotide variant.
Coding change: c.576C>T on transcript NM_145728.3 (MANE Select); coding-DNA position 576, C replaced by T.
Protein change: p.Ala192=; no amino-acid change (alanine 192 retained).
Molecular consequence: synonymous variant. On other transcripts: non-coding transcript variant (1).
Genome position (GRCh38, 1-based): chr15:99,105,775, C>T. VCF-style: chr15-99105775-C-T. GRCh37 (hg19) VCF-style: chr15-99645981-C-T.
Other names: c.576C>T, p.Ala192= (NM_015286.6).
Identifiers: ClinVar variation 3036567 (VCV003036567.2), dbSNP rs368062336, ClinGen allele CA7753294.